The following is an entry in ClinVar:

NM_000875.5(IGF1R):c.*6166G>A

Gene: IGF1R (insulin like growth factor 1 receptor; plus strand). Cytogenetic location: 15q26.3.
Variant type: single nucleotide variant.
Coding change: c.*6166G>A on transcript NM_000875.5 (MANE Select); 6166 bases downstream of the stop codon, G replaced by A.
Molecular consequence: 3 prime UTR variant.
Genome position (GRCh38, 1-based): chr15:98,963,608, G>A. VCF-style: chr15-98963608-G-A. GRCh37 (hg19) VCF-style: chr15-99506837-G-A.
Other names: c.*6166G>A (NM_001291858.2).
Identifiers: ClinVar variation 317633 (VCV000317633.5), dbSNP rs111990961, ClinGen allele CA10646805.

ClinVar aggregate classification (germline): Benign (1 of 4 stars; one submission).

Conditions:
Growth delay due to insulin-like growth factor I resistance. Also called: Somatomedin end-organ insensitivity to; Somatomedin-c resistance to; IGF-1 resistance; IGF-I RESISTANCE; Insulin-Like Growth Factor I Resistance. Identifiers: Orphanet 73273, MedGen C1849157, MONDO:0010038, OMIM 270450.

Allele frequency attached by ClinVar (database versions not stated): gnomAD exomes 0.00244; 1000 Genomes Project 0.01098; 1000 Genomes Project 30x 0.01171; gnomAD 0.01272 and 0.01368; TOPMed 0.01412.
gnomAD v4.1: 2,122 of 233,256 alleles (0.91%); highest among the groups gnomAD compares: African/African-American, 4.3%; 51 homozygotes.

Submission:

Illumina Laboratory Services, Illumina
Classification: Benign for Growth delay due to insulin-like growth factor I resistance. Last evaluated: 2018-01-13. Review status: criteria provided, single submitter. Criteria: ICSL Variant Classification Criteria 13 December 2019. Collection method: clinical testing. Allele origin: germline.
Comment: This variant was observed in the ICSL laboratory as part of a predisposition screen in an ostensibly healthy population. It had not been previously curated by ICSL or reported in the Human Gene Mutation Database (HGMD: prior to June 1st, 2018), and was therefore a candidate for classification through an automated scoring system. Utilizing variant allele frequency, disease prevalence and penetrance estimates, and inheritance mode, an automated score was calculated to assess if this variant is too frequent to cause the disease. Based on the score and internal cut-off values, a variant classified as benign is not then subjected to further curation. The score for this variant resulted in a classification of benign for this disease.